The following is an entry in ClinVar:

ClinVar aggregate classification (germline): Uncertain significance (1 of 4 stars; one submission).

Allele frequency attached by ClinVar (database versions not stated): gnomAD exomes below 0.00001; TOPMed 0.00001.
gnomAD v4.1: 1 of 1,613,444 alleles (0.000062%); highest among the groups gnomAD compares: Admixed American, 0.0017%; no homozygotes.

Submission:

Labcorp Genetics (formerly Invitae), Labcorp
Classification: Uncertain significance. Last evaluated: 2022-08-09. Review status: criteria provided, single submitter. Criteria: Invitae Variant Classification Sherloc (09022015). Collection method: clinical testing. Allele origin: germline.
Comment: This sequence change replaces leucine, which is neutral and non-polar, with serine, which is neutral and polar, at codon 767 of the CNGB1 protein (p.Leu767Ser). In summary, the available evidence is currently insufficient to determine the role of this variant in disease. Therefore, it has been classified as a Variant of Uncertain Significance. Advanced modeling of protein sequence and biophysical properties (such as structural, functional, and spatial information, amino acid conservation, physicochemical variation, residue mobility, and thermodynamic stability) performed at Invitae indicates that this missense variant is expected to disrupt CNGB1 protein function. ClinVar contains an entry for this variant (Variation ID: 1469314). This variant has not been reported in the literature in individuals affected with CNGB1-related conditions. This variant is not present in population databases (gnomAD no frequency).

NM_001297.5(CNGB1):c.2300T>C (p.Leu767Ser)

Gene: CNGB1 (cyclic nucleotide gated channel subunit beta 1; minus strand). Cytogenetic location: 16q21.
Variant type: single nucleotide variant.
Coding change: c.2300T>C on transcript NM_001297.5 (MANE Select); coding-DNA position 2300, T replaced by C.
Protein change: p.Leu767Ser; replaces leucine 767 with serine.
Molecular consequence: missense variant.
Genome position (GRCh38, 1-based): chr16:57,915,253, A>G on the plus strand (T>C on the coding strand, the complement: CNGB1 is on the minus strand). VCF-style: chr16-57915253-A-G. GRCh37 (hg19) VCF-style: chr16-57949157-A-G.
Other names: c.2282T>C, p.Leu761Ser (NM_001286130.2); short protein forms L761S, L767S.
Identifiers: ClinVar variation 1469314 (VCV001469314.6), dbSNP rs1960832667, ClinGen allele CA396062713.